The following is an entry in ClinVar:

ClinVar aggregate classification (germline): Uncertain significance (1 of 4 stars; one submission).

Conditions:
Polycystic kidney disease, adult type (PKD1). Also called: Polycystic Kidney, Autosomal Dominant; POLYCYSTIC KIDNEY DISEASE, ADULT, TYPE I; Polycystic Kidney Disease 1, Autosomal Dominant; Polycystic kidney disease 1; Polycystic kidney disease 1, severe; POLYCYSTIC KIDNEY DISEASE 1 WITH OR WITHOUT POLYCYSTIC LIVER DISEASE. Identifiers: MedGen C3149841, MONDO:0008263, OMIM 173900.

Submission:

MVZ Medizinische Genetik Mainz
Classification: Uncertain significance for Polycystic kidney disease, adult type. Last evaluated: 2026-08-10. Review status: criteria provided, single submitter. Criteria: UK Practice Guidelines For Variant Classification V4 01 2020. Collection method: clinical testing. Allele origin: germline. Inheritance: Autosomal dominant inheritance. Affected: yes. Observed: 1 variant allele.
Comment: ACMG Criteria: PM2_SUP,PM5_SUP,PP4

NM_001009944.3(PKD1):c.4379T>A (p.Val1460Glu)

Gene: PKD1 (polycystin 1, transient receptor potential channel interacting; minus strand). Cytogenetic location: 16p13.3.
Variant type: single nucleotide variant.
Coding change: c.4379T>A on transcript NM_001009944.3 (MANE Select); coding-DNA position 4379, T replaced by A.
Protein change: p.Val1460Glu; replaces valine 1460 with glutamic acid.
Molecular consequence: missense variant.
Genome position (GRCh38, 1-based): chr16:2,110,788, A>T on the plus strand (T>A on the coding strand, the complement: PKD1 is on the minus strand). VCF-style: chr16-2110788-A-T. GRCh37 (hg19) VCF-style: chr16-2160789-A-T.
Other names: c.4379T>A, p.Val1460Glu (NM_000296.4); short protein forms V1460E.
Identifiers: ClinVar variation 4887013 (VCV004887013.1).